The following is an entry in ClinVar:

ClinVar aggregate classification (germline): Uncertain significance (1 of 4 stars; one submission).

Submission:

Labcorp Genetics (formerly Invitae), Labcorp
Classification: Uncertain significance. Last evaluated: 2023-11-27. Review status: criteria provided, single submitter. Criteria: Invitae Variant Classification Sherloc (09022015). Collection method: clinical testing. Allele origin: germline.
Comment: This sequence change replaces cysteine, which is neutral and slightly polar, with phenylalanine, which is neutral and non-polar, at codon 178 of the MYO18B protein (p.Cys178Phe). This variant is not present in population databases (gnomAD no frequency). This variant has not been reported in the literature in individuals affected with MYO18B-related conditions. ClinVar contains an entry for this variant (Variation ID: 1936417). An algorithm developed to predict the effect of missense changes on protein structure and function (PolyPhen-2) suggests that this variant is likely to be disruptive. In summary, the available evidence is currently insufficient to determine the role of this variant in disease. Therefore, it has been classified as a Variant of Uncertain Significance.

NM_032608.7(MYO18B):c.533G>T (p.Cys178Phe)

Gene: MYO18B (myosin XVIIIB; plus strand). Cytogenetic location: 22q12.1.
Variant type: single nucleotide variant.
Coding change: c.533G>T on transcript NM_032608.7 (MANE Select); coding-DNA position 533, G replaced by T.
Protein change: p.Cys178Phe; replaces cysteine 178 with phenylalanine.
Molecular consequence: missense variant.
Genome position (GRCh38, 1-based): chr22:25,768,449, G>T. VCF-style: chr22-25768449-G-T. GRCh37 (hg19) VCF-style: chr22-26164416-G-T.
Other names: c.533G>T, p.Cys178Phe (NM_001318245.2); short protein forms C178F.
Identifiers: ClinVar variation 1936417 (VCV001936417.5), dbSNP rs199592988, ClinGen allele CA411002087.